The following is an entry in ClinVar:

ClinVar aggregate classification (germline): Uncertain significance. Review status: criteria provided, multiple submitters, no conflicts (2 of 4 stars). 2 submissions from 2 submitters: Uncertain significance (2). Last evaluated 2022-06-07.

Conditions:
Bardet-Biedl syndrome (BBS). Identifiers: Orphanet 110, MedGen C0752166, MONDO:0015229.

Submissions (2):

Labcorp Genetics (formerly Invitae), Labcorp
Classification: Uncertain significance for Bardet-Biedl syndrome. Last evaluated: 2022-06-07. Review status: criteria provided, single submitter. Criteria: Invitae Variant Classification Sherloc (09022015). Collection method: clinical testing. Allele origin: germline.
Comment: In summary, the available evidence is currently insufficient to determine the role of this variant in disease. Therefore, it has been classified as a Variant of Uncertain Significance. Algorithms developed to predict the effect of missense changes on protein structure and function are either unavailable or do not agree on the potential impact of this missense change (SIFT: "Deleterious"; PolyPhen-2: "Benign"; Align-GVGD: "Class C0"). This variant has not been reported in the literature in individuals affected with TRIM32-related conditions. This variant is not present in population databases (gnomAD no frequency). This sequence change replaces valine, which is neutral and non-polar, with phenylalanine, which is neutral and non-polar, at codon 195 of the TRIM32 protein (p.Val195Phe).

Blueprint Genetics
Classification: Uncertain significance. Last evaluated: 2021-02-26. Review status: criteria provided, single submitter. Criteria: ACMG Guidelines, 2015. Collection method: clinical testing. Allele origin: germline.

NM_012210.4(TRIM32):c.583G>T (p.Val195Phe)

Genes: ASTN2 (astrotactin 2; minus strand), TRIM32 (tripartite motif containing 32; plus strand). Cytogenetic location: 9q33.1.
Variant type: single nucleotide variant.
Coding change: c.583G>T on transcript NM_012210.4 (MANE Select); coding-DNA position 583, G replaced by T.
Protein change: p.Val195Phe; replaces valine 195 with phenylalanine.
Molecular consequence: missense variant. On other transcripts: intron variant (3).
Genome position (GRCh38, 1-based): chr9:116,698,325, G>T. VCF-style: chr9-116698325-G-T. GRCh37 (hg19) VCF-style: chr9-119460604-G-T.
Other names: c.583G>T, p.Val195Phe (NM_001099679.2, NM_001379048.1, NM_001379049.1 and 1 more transcripts); c.2653+27446C>A (NM_014010.5); c.2794+27446C>A (NM_001365069.1); c.2806+27446C>A (NM_001365068.1); short protein forms V195F.
Identifiers: ClinVar variation 2048507 (VCV002048507.3), dbSNP rs776230323, ClinGen allele CA374649050.